The following is an entry in ClinVar:

NM_007294.4(BRCA1):c.5332+7G>A

Gene: BRCA1 (BRCA1 DNA repair associated; minus strand). Cytogenetic location: 17q21.31.
Variant type: single nucleotide variant.
Coding change: c.5332+7G>A on transcript NM_007294.4 (MANE Select); 7 bases into the intron after coding-DNA position 5332, G replaced by A.
Molecular consequence: intron variant.
Genome position (GRCh38, 1-based): chr17:43,051,056, C>T on the plus strand (G>A on the coding strand, the complement: BRCA1 is on the minus strand). VCF-style: chr17-43051056-C-T. GRCh37 (hg19) VCF-style: chr17-41203073-C-T.
Other names: c.1879+7G>A (NM_001408458.1, NM_001408461.1, NM_001408464.1 and 7 more transcripts); c.4441+7G>A (NM_001407967.1); c.4951+7G>A (NM_001407959.1); c.5065+7G>A (NM_001407931.1, NM_001407932.1, NM_001407928.1 and 4 more transcripts); c.5188+7G>A (NM_001407747.1, NM_001407745.1, NM_001407737.1 and 21 more transcripts); c.4948+7G>A (NM_001407962.1, NM_001407960.1); c.1519+7G>A (NM_001408512.1); c.1642+7G>A (NM_001408510.1); and 74 more.
Identifiers: ClinVar variation 865606 (VCV000865606.16), dbSNP rs773655919, ClinGen allele CA913187791.

ClinVar aggregate classification (germline): Likely benign. Review status: criteria provided, multiple submitters, no conflicts (2 of 4 stars). 4 submissions from 4 submitters: Likely benign (4). Last evaluated 2024-08-27.

Conditions:
Hereditary breast ovarian cancer syndrome. Also called: Hereditary breast and/or ovarian cancer syndrome; BRCA1- and BRCA2-Associated Hereditary Breast and Ovarian Cancer; Hereditary breast and ovarian cancer syndrome; Hereditary breast and ovarian cancer; Hereditary breast and ovarian cancer syndrome (HBOC); Breast and ovarian cancer. Identifiers: Orphanet 145, MedGen C0677776, MeSH D061325, MONDO:0003582. Disease mechanism: loss of function.
Breast and/or ovarian cancer. Identifiers: MedGen CN221562.
Familial cancer of breast. Also called: BREAST CANCER, FAMILIAL; hereditary breast carcinoma; Hereditary breast cancer. Identifiers: Orphanet 227535, MedGen C0346153, MONDO:0016419, OMIM 114480. Disease mechanism: loss of function.
Breast-ovarian cancer, familial, susceptibility to, 1 (BROVCA1). Also called: BRCA1 Hereditary Breast and Ovarian Cancer; OVARIAN CANCER, SUSCEPTIBILITY TO. Identifiers: Orphanet 145, MedGen C2676676, MONDO:0011450, OMIM 604370. Disease mechanism: loss of function.
Fanconi anemia, complementation group S (FANCS). Identifiers: MedGen C4554406, MONDO:0054748, OMIM 617883.
Hereditary cancer-predisposing syndrome. Also called: Tumor predisposition; Hereditary Cancer Syndrome; Hereditary neoplastic syndrome; Neoplastic Syndromes, Hereditary. Identifiers: Orphanet 140162, MedGen C0027672, MeSH D009386, MONDO:0015356.

gnomAD v4.1: 1 of 1,613,660 alleles (0.000062%); highest among the groups gnomAD compares: South Asian, 0.0011%; no homozygotes.

Submissions (5):

Labcorp Genetics (formerly Invitae), Labcorp
Classification: Likely benign for Hereditary breast ovarian cancer syndrome. Last evaluated: 2024-08-27. Review status: criteria provided, single submitter. Criteria: Invitae Variant Classification Sherloc (09022015). Collection method: clinical testing. Allele origin: germline.

Department of Pathology and Laboratory Medicine, Sinai Health System
Classification: Likely benign for Familial cancer of breast; Breast-ovarian cancer, familial, susceptibility to, 1; Fanconi anemia, complementation group S. Last evaluated: 2023-04-12. Review status: criteria provided, single submitter. Criteria: ACMG Guidelines, 2015. Collection method: clinical testing. Allele origin: germline. Affected: yes.

CHEO Genetics Diagnostic Laboratory, Children's Hospital of Eastern Ontario
Classification: Likely benign for Breast and/or ovarian cancer. Last evaluated: 2022-04-11. Review status: criteria provided, single submitter. Criteria: ACMG Guidelines, 2015. Collection method: clinical testing. Allele origin: germline.

Color Diagnostics, LLC DBA Color Health
Classification: Likely benign for Hereditary cancer-predisposing syndrome. Last evaluated: 2019-02-06. Review status: criteria provided, single submitter. Criteria: ACMG Guidelines, 2015. Collection method: clinical testing. Allele origin: germline.

Brotman Baty Institute, University of Washington
No classification provided (evidence only). Condition: Breast-ovarian cancer, familial 1. Review status: no classification provided. Collection method: in vitro. Allele origin: not applicable. Functional consequence: functionally_normal. Not counted in ClinVar's aggregate classification.
ClinVar note: "not provided" was previously submitted as the classification for the variant. However, the classification appeared to be based only on an observation of functional data so it was converted to no classification on 2025-07-30.

Literature cited by the submitters: PubMed 30209399 (cited by Department of Pathology and Laboratory Medicine, Sinai Health System).